The following is an entry in ClinVar:

ClinVar aggregate classification (germline): Likely benign (1 of 4 stars; one submission).

Conditions:
Intellectual developmental disorder, autosomal recessive 1. Also called: Intellectual disability, autosomal recessive 1; MENTAL RETARDATION, AUTOSOMAL RECESSIVE 1. Identifiers: Orphanet 88616, MedGen C1855304, MONDO:0009580, OMIM 249500.

Allele frequency attached by ClinVar (database versions not stated): 1000 Genomes Project 0.00280; gnomAD 0.00023 and 0.00036; 1000 Genomes Project 30x 0.00281; TOPMed 0.00037.

Submission:

Illumina Laboratory Services, Illumina
Classification: Likely benign for Intellectual developmental disorder, autosomal recessive 1. Last evaluated: 2018-01-13. Review status: criteria provided, single submitter. Criteria: ICSL Variant Classification Criteria 13 December 2019. Collection method: clinical testing. Allele origin: germline.
Comment: This variant was observed in the ICSL laboratory as part of a predisposition screen in an ostensibly healthy population. It had not been previously curated by ICSL or reported in the Human Gene Mutation Database (HGMD: prior to June 1st, 2018), and was therefore a candidate for classification through an automated scoring system. Utilizing variant allele frequency, disease prevalence and penetrance estimates, and inheritance mode, an automated score was calculated to assess if this variant is too frequent to cause the disease. Based on the score and internal cut-off values, a variant classified as likely benign is not then subjected to further curation. The score for this variant resulted in a classification of likely benign for this disease.

NM_003619.4(PRSS12):c.*1865T>C

Gene: PRSS12 (serine protease 12; minus strand). Cytogenetic location: 4q26.
Variant type: single nucleotide variant.
Coding change: c.*1865T>C on transcript NM_003619.4 (MANE Select); 1865 bases downstream of the stop codon, T replaced by C.
Molecular consequence: 3 prime UTR variant.
Genome position (GRCh38, 1-based): chr4:118,280,071, A>G on the plus strand (T>C on the coding strand, the complement: PRSS12 is on the minus strand). VCF-style: chr4-118280071-A-G. GRCh37 (hg19) VCF-style: chr4-119201226-A-G.
Identifiers: ClinVar variation 347369 (VCV000347369.5), dbSNP rs183712097, ClinGen allele CA10617820.